The following is an entry in ClinVar:

ClinVar aggregate classification (germline): Uncertain significance (1 of 4 stars; one submission).

Submission:

GeneDx
Classification: Uncertain significance. Last evaluated: 2024-11-18. Review status: criteria provided, single submitter. Criteria: GeneDx Variant Classification Process June 2021. Collection method: clinical testing. Allele origin: germline. Affected: yes.
Comment: Not observed at significant frequency in large population cohorts (gnomAD); In silico analysis supports that this missense variant has a deleterious effect on protein structure/function; Has not been previously published as pathogenic or benign to our knowledge

NM_173495.3(PTCHD1):c.2593C>T (p.Arg865Trp)

Gene: PTCHD1 (patched domain containing 1; plus strand). Cytogenetic location: Xp22.11.
Variant type: single nucleotide variant.
Coding change: c.2593C>T on transcript NM_173495.3 (MANE Select); coding-DNA position 2593, C replaced by T.
Protein change: p.Arg865Trp; replaces arginine 865 with tryptophan.
Molecular consequence: missense variant.
Genome position (GRCh38, 1-based): chrX:23,394,111, C>T. VCF-style: chrX-23394111-C-T. GRCh37 (hg19) VCF-style: chrX-23412228-C-T.
Other names: short protein forms R865W.
Identifiers: ClinVar variation 3900434 (VCV003900434.1).
Genomic context (GRCh38, chrX:23,394,111, plus strand): 5'-ATACTGACTTTCCTGCCACCCTCTAAGAAAAAAAGGAAAGAGAAGAAAAATCCTGAGAAC[C>T]GGGAGGAAATTGAGTGTGTAGAAATGGTAGATATCGATAGTACCCGTGTGGTTGACCAAA-3'
Protein context (NP_775766.2, residues 855-875): KRKEKKNPEN[Arg865Trp]EEIECVEMVD